The following is an entry in ClinVar:

ClinVar aggregate classification (germline): Uncertain significance (1 of 4 stars; one submission).

Conditions:
Inborn genetic diseases. Identifiers: MedGen C0950123, MeSH D030342.

gnomAD v4.1: 1 of 1,612,180 alleles (0.000062%); highest among the groups gnomAD compares: Admixed American, 0.0017%; no homozygotes.

Submission:

Ambry Genetics
Classification: Uncertain significance for Inborn genetic diseases. Last evaluated: 2025-02-12. Review status: criteria provided, single submitter. Criteria: Ambry Variant Classification Scheme 2023. Collection method: clinical testing. Allele origin: germline.
Comment: The p.D1585G variant (also known as c.4754A>G), located in coding exon 1 of the SAMD9 gene, results from an A to G substitution at nucleotide position 4754. The aspartic acid at codon 1585 is replaced by glycine, an amino acid with similar properties. This amino acid position is conserved. In addition, this alteration is predicted to be tolerated by in silico analysis. Based on the available evidence, the clinical significance of this variant remains unclear.

NM_017654.4(SAMD9):c.4754A>G (p.Asp1585Gly)

Gene: SAMD9 (sterile alpha motif domain containing 9; minus strand). Cytogenetic location: 7q21.2.
Variant type: single nucleotide variant.
Coding change: c.4754A>G on transcript NM_017654.4 (MANE Select); coding-DNA position 4754, A replaced by G.
Protein change: p.Asp1585Gly; replaces aspartic acid 1585 with glycine.
Molecular consequence: missense variant.
Genome position (GRCh38, 1-based): chr7:93,101,344, T>C on the plus strand (A>G on the coding strand, the complement: SAMD9 is on the minus strand). VCF-style: chr7-93101344-T-C. GRCh37 (hg19) VCF-style: chr7-92730657-T-C.
Other names: c.4754A>G, p.Asp1585Gly (NM_001193307.2); short protein forms D1585G.
Identifiers: ClinVar variation 3792079 (VCV003792079.1).